The following is an entry in ClinVar:

NM_003873.7(NRP1):c.1934C>T (p.Thr645Ile)

Gene: NRP1 (neuropilin 1; minus strand). Cytogenetic location: 10p11.22.
Variant type: single nucleotide variant.
Coding change: c.1934C>T on transcript NM_003873.7 (MANE Select); coding-DNA position 1934, C replaced by T.
Protein change: p.Thr645Ile; replaces threonine 645 with isoleucine.
Molecular consequence: missense variant. On other transcripts: non-coding transcript variant (1).
Genome position (GRCh38, 1-based): chr10:33,192,409, G>A on the plus strand (C>T on the coding strand, the complement: NRP1 is on the minus strand). VCF-style: chr10-33192409-G-A. GRCh37 (hg19) VCF-style: chr10-33481337-G-A.
Other names: c.1913C>T, p.Thr638Ile (NM_001244972.2, NM_001244973.2); c.1934C>T, p.Thr645Ile (NM_001330068.2); short protein forms T645I, T638I.
Identifiers: ClinVar variation 4990122 (VCV004990122.1).

ClinVar aggregate classification (germline): Uncertain significance (1 of 4 stars; one submission).

Conditions:
NRP1-related disorder. Also called: NRP1-related condition.

gnomAD v4.1: 3 of 1,613,796 alleles (0.00019%); highest among the groups gnomAD compares: Non-Finnish European, 0.00025%; no homozygotes.

Submission:

PreventionGenetics, part of Exact Sciences
Classification: Uncertain significance for NRP1-related condition. Last evaluated: 2025-10-20. Review status: criteria provided, single submitter. Criteria: ACMG Guidelines, 2015. Collection method: clinical testing. Allele origin: germline.
Comment: The NRP1 c.1934C>T variant is predicted to result in the amino acid substitution p.Thr645Ile. To our knowledge, this variant has not been reported in the literature or in a large population database (gnomAD), indicating this variant is rare. At this time, the clinical significance of this variant is uncertain due to the absence of conclusive functional and genetic evidence.